The following is an entry in ClinVar:

ClinVar aggregate classification (germline): Uncertain significance. Review status: criteria provided, multiple submitters, no conflicts (2 of 4 stars). 2 submissions from 2 submitters: Uncertain significance (2). Last evaluated 2025-08-11.

Conditions:
Primary ciliary dyskinesia. Also called: Ciliary dyskinesia. Identifiers: Orphanet 244, MedGen C0008780, MONDO:0016575, HP:0012265.

Allele frequency attached by ClinVar (database versions not stated): gnomAD exomes below 0.00001; ExAC 0.00001; gnomAD 0.00001; TOPMed 0.00001.
gnomAD v4.1: 8 of 1,613,752 alleles (0.0005%); highest among the groups gnomAD compares: Non-Finnish European, 0.00068%; no homozygotes.

Submissions (2):

Ambry Genetics
Classification: Uncertain significance. Last evaluated: 2025-08-11. Review status: criteria provided, single submitter. Criteria: Ambry Variant Classification Scheme 2023. Collection method: clinical testing. Allele origin: germline.

Labcorp Genetics (formerly Invitae), Labcorp
Classification: Uncertain significance for Primary ciliary dyskinesia. Last evaluated: 2022-09-27. Review status: criteria provided, single submitter. Criteria: Invitae Variant Classification Sherloc (09022015). Collection method: clinical testing. Allele origin: germline.
Comment: In summary, the available evidence is currently insufficient to determine the role of this variant in disease. Therefore, it has been classified as a Variant of Uncertain Significance. Advanced modeling of protein sequence and biophysical properties (such as structural, functional, and spatial information, amino acid conservation, physicochemical variation, residue mobility, and thermodynamic stability) performed at Invitae indicates that this missense variant is not expected to disrupt DNAH8 protein function. ClinVar contains an entry for this variant (Variation ID: 1368986). This variant has not been reported in the literature in individuals affected with DNAH8-related conditions. This variant is present in population databases (rs200670267, gnomAD 0.002%). This sequence change replaces glutamine, which is neutral and polar, with lysine, which is basic and polar, at codon 1121 of the DNAH8 protein (p.Gln1121Lys).

NM_001206927.2(DNAH8):c.3361C>A (p.Gln1121Lys)

Gene: DNAH8 (dynein axonemal heavy chain 8; plus strand). Cytogenetic location: 6p21.2.
Variant type: single nucleotide variant.
Coding change: c.3361C>A on transcript NM_001206927.2 (MANE Select); coding-DNA position 3361, C replaced by A.
Protein change: p.Gln1121Lys; replaces glutamine 1121 with lysine.
Molecular consequence: missense variant.
Genome position (GRCh38, 1-based): chr6:38,815,495, C>A. VCF-style: chr6-38815495-C-A. GRCh37 (hg19) VCF-style: chr6-38783271-C-A.
Other names: c.3361C>A (NM_001206927.1); c.2710C>A, p.Gln904Lys (NM_001371.4); short protein forms Q904K, Q1121K.
Identifiers: ClinVar variation 1368986 (VCV001368986.9), dbSNP rs200670267, ClinGen allele CA3788827.